The following is an entry in ClinVar:

ClinVar aggregate classification (germline): Uncertain significance (1 of 4 stars; one submission).

Conditions:
Hereditary cancer-predisposing syndrome. Also called: Neoplastic Syndromes, Hereditary; Tumor predisposition; Hereditary neoplastic syndrome; Hereditary Cancer Syndrome. Identifiers: Orphanet 140162, MedGen C0027672, MeSH D009386, MONDO:0015356.

Submission:

Ambry Genetics
Classification: Uncertain significance for Hereditary cancer-predisposing syndrome. Last evaluated: 2026-07-06. Review status: criteria provided, single submitter. Criteria: Ambry Variant Classification Scheme 2023. Collection method: clinical testing. Allele origin: germline.
Comment: The p.G654D variant (also known as c.1961G>A), located in coding exon 7 of the AXIN2 gene, results from a G to A substitution at nucleotide position 1961. The glycine at codon 654 is replaced by aspartic acid, an amino acid with similar properties. This amino acid position is conserved. In addition, this alteration is predicted to be tolerated by in silico analysis. Based on the available evidence, the clinical significance of this variant remains unclear.

NM_004655.4(AXIN2):c.1961G>A (p.Gly654Asp)

Gene: AXIN2 (axin 2; minus strand). Cytogenetic location: 17q24.1.
Variant type: single nucleotide variant.
Coding change: c.1961G>A on transcript NM_004655.4 (MANE Select); coding-DNA position 1961, G replaced by A.
Protein change: p.Gly654Asp; replaces glycine 654 with aspartic acid.
Molecular consequence: missense variant.
Genome position (GRCh38, 1-based): chr17:65,536,500, C>T on the plus strand (G>A on the coding strand, the complement: AXIN2 is on the minus strand). VCF-style: chr17-65536500-C-T. GRCh37 (hg19) VCF-style: chr17-63532618-C-T.
Other names: c.1766G>A, p.Gly589Asp (NM_001363813.1); short protein forms G654D, G589D.
Identifiers: ClinVar variation 5032535 (VCV005032535.1).